The following is an entry in ClinVar:

ClinVar aggregate classification (germline): Uncertain significance (1 of 4 stars; one submission).

Conditions:
Immunodeficiency, common variable, 10. Also called: DEFICIT IN ANTERIOR PITUITARY FUNCTION AND VARIABLE IMMUNODEFICIENCY; IMMUNODEFICIENCY, COMMON VARIABLE, WITH CENTRAL ADRENAL INSUFFICIENCY. Identifiers: MedGen C3809991, MONDO:0014260, OMIM 615577.

Allele frequency attached by ClinVar (database versions not stated): gnomAD exomes below 0.00001.
gnomAD v4.1: 3 of 1,613,906 alleles (0.00019%); highest among the groups gnomAD compares: Non-Finnish European, 0.00025%; no homozygotes.

Submission:

Labcorp Genetics (formerly Invitae), Labcorp
Classification: Uncertain significance for Immunodeficiency, common variable, 10. Last evaluated: 2024-05-08. Review status: criteria provided, single submitter. Criteria: Invitae Variant Classification Sherloc (09022015). Collection method: clinical testing. Allele origin: germline.
Comment: This sequence change replaces threonine, which is neutral and polar, with asparagine, which is neutral and polar, at codon 665 of the NFKB2 protein (p.Thr665Asn). This variant is not present in population databases (gnomAD no frequency). This variant has not been reported in the literature in individuals affected with NFKB2-related conditions. ClinVar contains an entry for this variant (Variation ID: 1992660). An algorithm developed to predict the effect of missense changes on protein structure and function (PolyPhen-2) suggests that this variant is likely to be disruptive. In summary, the available evidence is currently insufficient to determine the role of this variant in disease. Therefore, it has been classified as a Variant of Uncertain Significance.

NM_001322934.2(NFKB2):c.1994C>A (p.Thr665Asn)

Gene: NFKB2 (nuclear factor kappa B subunit 2; plus strand). Cytogenetic location: 10q24.32.
Variant type: single nucleotide variant.
Coding change: c.1994C>A on transcript NM_001322934.2 (MANE Select); coding-DNA position 1994, C replaced by A.
Protein change: p.Thr665Asn; replaces threonine 665 with asparagine.
Molecular consequence: missense variant.
Genome position (GRCh38, 1-based): chr10:102,400,972, C>A. VCF-style: chr10-102400972-C-A. GRCh37 (hg19) VCF-style: chr10-104160729-C-A.
Other names: c.1994C>A, p.Thr665Asn (NM_001077493.1, NM_001077494.3, NM_001261403.3 and 2 more transcripts); c.1868C>A, p.Thr623Asn (NM_001322935.1); short protein forms T665N, T623N.
Identifiers: ClinVar variation 1992660 (VCV001992660.4), dbSNP rs2544599065, ClinGen allele CA377903778.